The following is an entry in ClinVar:

NM_006073.4(TRDN):c.1229C>A (p.Pro410Gln)

Gene: TRDN (triadin; minus strand). Cytogenetic location: 6q22.31.
Variant type: single nucleotide variant.
Coding change: c.1229C>A on transcript NM_006073.4 (MANE Select); coding-DNA position 1229, C replaced by A.
Protein change: p.Pro410Gln; replaces proline 410 with glutamine.
Molecular consequence: missense variant.
Genome position (GRCh38, 1-based): chr6:123,377,733, G>T on the plus strand (C>A on the coding strand, the complement: TRDN is on the minus strand). VCF-style: chr6-123377733-G-T. GRCh37 (hg19) VCF-style: chr6-123698878-G-T.
Other names: c.1232C>A, p.Pro411Gln (NM_001251987.2); c.1172C>A, p.Pro391Gln (NM_001407315.1); short protein forms P391Q, P410Q, P411Q.
Identifiers: ClinVar variation 1991652 (VCV001991652.4), dbSNP rs749629680, ClinGen allele CA3984053.
Genomic context (GRCh38, chr6:123,377,733, plus strand): 5'-TGGACATGAGTATTCGGAATCCAGCAACAGTGGTCTTACTCACCTGAGTGTTCTTTCTTT[G>T]GTGACTTTGCTGTATCAAAAAGGAAAGAAAAAAAAATCAGCATTCTATGTCATTCAATTG-3'
Protein context (NP_006064.2, residues 400-420): KEKHVEPAKS[Pro410Gln]KKEHSVPSDK

ClinVar aggregate classification (germline): Uncertain significance (1 of 4 stars; one submission).

Conditions:
Catecholaminergic polymorphic ventricular tachycardia 1. Also called: VENTRICULAR TACHYCARDIA, CATECHOLAMINERGIC POLYMORPHIC, 1, WITH OR WITHOUT ATRIAL DYSFUNCTION AND/OR DILATED CARDIOMYOPATHY; RYR2-Related Catecholaminergic Polymorphic Ventricular Tachycardia; VENTRICULAR TACHYCARDIA, STRESS-INDUCED POLYMORPHIC 1. Identifiers: Orphanet 3286, MedGen C1631597, MONDO:0011484, OMIM 604772.

Allele frequency attached by ClinVar (database versions not stated): TOPMed below 0.00001; ExAC 0.00001.
gnomAD v4.1: 3 of 1,612,800 alleles (0.00019%); highest among the groups gnomAD compares: Non-Finnish European, 0.00025%; no homozygotes.

Submission:

Labcorp Genetics (formerly Invitae), Labcorp
Classification: Uncertain significance for Catecholaminergic polymorphic ventricular tachycardia 1. Last evaluated: 2022-02-12. Review status: criteria provided, single submitter. Criteria: Invitae Variant Classification Sherloc (09022015). Collection method: clinical testing. Allele origin: germline.
Comment: This sequence change replaces proline, which is neutral and non-polar, with glutamine, which is neutral and polar, at codon 410 of the TRDN protein (p.Pro410Gln). This variant is present in population databases (rs749629680, gnomAD 0.0009%). This variant has not been reported in the literature in individuals affected with TRDN-related conditions. Algorithms developed to predict the effect of missense changes on protein structure and function are either unavailable or do not agree on the potential impact of this missense change (SIFT: "Deleterious"; PolyPhen-2: "Possibly Damaging"; Align-GVGD: "Class C0"). In summary, the available evidence is currently insufficient to determine the role of this variant in disease. Therefore, it has been classified as a Variant of Uncertain Significance.